The following is an entry in ClinVar:

NM_001197104.2(KMT2A):c.11890G>A (p.Ala3964Thr)

Genes: KMT2A (lysine methyltransferase 2A; plus strand), TTC36-AS1 (TTC36 and KMT2A antisense RNA 1; minus strand). Cytogenetic location: 11q23.3.
Variant type: single nucleotide variant.
Coding change: c.11890G>A on transcript NM_001197104.2 (MANE Select); coding-DNA position 11890, G replaced by A.
Protein change: p.Ala3964Thr; replaces alanine 3964 with threonine.
Molecular consequence: missense variant.
Genome position (GRCh38, 1-based): chr11:118,522,143, G>A. VCF-style: chr11-118522143-G-A. GRCh37 (hg19) VCF-style: chr11-118392858-G-A.
Other names: c.11881G>A, p.Ala3961Thr (NM_005933.4); short protein forms A3964T, A3961T.
Identifiers: ClinVar variation 1519957 (VCV001519957.8), dbSNP rs781866935, ClinGen allele CA6305033.

ClinVar aggregate classification (germline): Uncertain significance (1 of 4 stars; one submission).

Allele frequency attached by ClinVar (database versions not stated): gnomAD 0.00001; TOPMed 0.00001.
gnomAD v4.1: 14 of 1,613,980 alleles (0.00087%); highest among the groups gnomAD compares: Admixed American, 0.005%; no homozygotes.

Submission:

Labcorp Genetics (formerly Invitae), Labcorp
Classification: Uncertain significance. Last evaluated: 2023-07-19. Review status: criteria provided, single submitter. Criteria: Invitae Variant Classification Sherloc (09022015). Collection method: clinical testing. Allele origin: germline.
Comment: Advanced modeling of protein sequence and biophysical properties (such as structural, functional, and spatial information, amino acid conservation, physicochemical variation, residue mobility, and thermodynamic stability) performed at Invitae indicates that this missense variant is not expected to disrupt KMT2A protein function. This sequence change replaces alanine, which is neutral and non-polar, with threonine, which is neutral and polar, at codon 3964 of the KMT2A protein (p.Ala3964Thr). This variant is present in population databases (rs781866935, gnomAD 0.009%). This variant has not been reported in the literature in individuals affected with KMT2A-related conditions. ClinVar contains an entry for this variant (Variation ID: 1519957). In summary, the available evidence is currently insufficient to determine the role of this variant in disease. Therefore, it has been classified as a Variant of Uncertain Significance.